The following is an entry in ClinVar:

NM_000102.4(CYP17A1):c.1039C>G (p.Arg347Gly)

Gene: CYP17A1 (cytochrome P450 family 17 subfamily A member 1; minus strand). Cytogenetic location: 10q24.32.
Variant type: single nucleotide variant.
Coding change: c.1039C>G on transcript NM_000102.4 (MANE Select); coding-DNA position 1039, C replaced by G.
Protein change: p.Arg347Gly; replaces arginine 347 with glycine.
Molecular consequence: missense variant.
Genome position (GRCh38, 1-based): chr10:102,832,611, G>C on the plus strand (C>G on the coding strand, the complement: CYP17A1 is on the minus strand). VCF-style: chr10-102832611-G-C. GRCh37 (hg19) VCF-style: chr10-104592368-G-C.
Other names: short protein forms R347G.
Identifiers: ClinVar variation 2875207 (VCV002875207.3), dbSNP rs104894149, ClinGen allele CA377938855.

ClinVar aggregate classification (germline): Likely pathogenic (1 of 4 stars; one submission).

Submission:

Labcorp Genetics (formerly Invitae), Labcorp
Classification: Likely pathogenic. Last evaluated: 2023-02-14. Review status: criteria provided, single submitter. Criteria: Invitae Variant Classification Sherloc (09022015). Collection method: clinical testing. Allele origin: germline.
Comment: This sequence change replaces arginine, which is basic and polar, with glycine, which is neutral and non-polar, at codon 347 of the CYP17A1 protein (p.Arg347Gly). This variant is not present in population databases (gnomAD no frequency). Advanced modeling of protein sequence and biophysical properties (such as structural, functional, and spatial information, amino acid conservation, physicochemical variation, residue mobility, and thermodynamic stability) performed at Invitae indicates that this missense variant is expected to disrupt CYP17A1 protein function. Algorithms developed to predict the effect of sequence changes on RNA splicing suggest that this variant may disrupt the consensus splice site. This variant disrupts the p.Arg347 amino acid residue in CYP17A1. Other variant(s) that disrupt this residue have been determined to be pathogenic (PMID: 9326943, 9601054, 12466376, 27426448; Invitae). This suggests that this residue is clinically significant, and that variants that disrupt this residue are likely to be disease-causing. In summary, the currently available evidence indicates that the variant is pathogenic, but additional data are needed to prove that conclusively. Therefore, this variant has been classified as Likely Pathogenic. This variant has not been reported in the literature in individuals affected with CYP17A1-related conditions.

Literature cited by the submitters: PubMed 9326943; PubMed 9601054; PubMed 12466376; PubMed 27426448.